The following is an entry in ClinVar:

ClinVar aggregate classification (germline): Likely pathogenic (1 of 4 stars; one submission).

Submission:

Mayo Clinic Laboratories, Mayo Clinic
Classification: Likely pathogenic. Last evaluated: 2025-09-04. Review status: criteria provided, single submitter. Criteria: ACMG Guidelines, 2015. Collection method: clinical testing. Allele origin: germline. Observed: 1 variant allele.
Comment: PM2_supporting, PVS1

NM_001384732.1(CPLANE1):c.4998_5001del (p.Asn1666fs)

Gene: CPLANE1 (ciliogenesis and planar polarity effector complex subunit 1; minus strand). Cytogenetic location: 5p13.2.
Variant type: Deletion.
Coding change: c.4998_5001del on transcript NM_001384732.1 (MANE Select); coding-DNA positions 4998 to 5001, 4 bases deleted (TGAA; older notation c.4998_5001delTGAA).
Protein change: p.Asn1666fs; shifts the reading frame from asparagine 1666.
Molecular consequence: frameshift variant.
Genome position (GRCh38, 1-based): chr5:37,183,180-37,183,183, TTCA deleted on the plus strand (TGAA on the coding strand, the reverse complement: CPLANE1 is on the minus strand); deleting any 4 consecutive bases within chr5:37,183,180-37,183,186 gives the same sequence; the c. name uses the placement nearest the transcript's 3' end. VCF-style (leftmost placement, unchanged base first): chr5-37183179-CTTCA-C. GRCh37 (hg19) VCF-style: chr5-37183281-CTTCA-C.
Other names: p.Asn1666Lysfs*8; c.4998_5001del, p.Asn1666fs (NM_023073.4); short protein forms N1666fs.
Identifiers: ClinVar variation 4541041 (VCV004541041.1).
Genomic context (GRCh38, chr5:37,183,179, plus strand): 5'-TTTTGTAAATTGACCTTTGTTTTAAACCAAATAATCCACTCATTCCTTCATTCTTATTGA[CTTCA>C]TTCGAAGGATATTGTAAAAAAGGTTTGATCCCTTGATTAACCAGTACTGATGATGAAAGT-3'